The following is an entry in ClinVar:

NM_001035.3(RYR2):c.7887C>T (p.Asn2629=)

Gene: RYR2 (ryanodine receptor 2; plus strand). Cytogenetic location: 1q43.
Variant type: single nucleotide variant.
Coding change: c.7887C>T on transcript NM_001035.3 (MANE Select); coding-DNA position 7887, C replaced by T.
Protein change: p.Asn2629=; no amino-acid change (asparagine 2629 retained).
Molecular consequence: synonymous variant.
Genome position (GRCh38, 1-based): chr1:237,654,336, C>T. VCF-style: chr1-237654336-C-T. GRCh37 (hg19) VCF-style: chr1-237817636-C-T.
Other names: c.7887C>T, p.Asn2629= (LRG_402t1).
Identifiers: ClinVar variation 386767 (VCV000386767.3), dbSNP rs1057522596, ClinGen allele CA16603570.

ClinVar aggregate classification (germline): Likely benign. Review status: criteria provided, multiple submitters, no conflicts (2 of 4 stars). 2 submissions from 2 submitters: Likely benign (2). Last evaluated 2020-02-14.

Conditions:
Cardiovascular phenotype. Identifiers: MedGen CN230736.

Submissions (2):

Ambry Genetics
Classification: Likely benign for Cardiovascular phenotype. Last evaluated: 2020-02-14. Review status: criteria provided, single submitter. Criteria: Ambry Variant Classification Scheme 2023. Collection method: clinical testing. Allele origin: germline.

GeneDx
Classification: Likely benign. Last evaluated: 2016-06-03. Review status: criteria provided, single submitter. Criteria: GeneDx Variant Classification (06012015). Collection method: clinical testing. Allele origin: germline. Affected: yes.
Comment: This variant is considered likely benign or benign based on one or more of the following criteria: it is a conservative change, it occurs at a poorly conserved position in the protein, it is predicted to be benign by multiple in silico algorithms, and/or has population frequency not consistent with disease.